The following is an entry in ClinVar:

ClinVar aggregate classification (germline): other (0 of 4 stars; one submission).

Conditions:
Familial colorectal cancer. Identifiers: MedGen CN280943, MONDO:0023113. Disease mechanism: loss of function.

Allele frequency attached by ClinVar (database versions not stated): TOPMed 0.00002.
gnomAD v4.1: 1 of 152,166 alleles (0.00066%); highest among the groups gnomAD compares: East Asian, 0.019%; no homozygotes.

Submission:

Systems Biology Platform Zhejiang California International NanoSystems Institute
Classification: other for Familial colorectal cancer. Review status: no assertion criteria provided. Collection method: not provided. Allele origin: unknown.
ClinVar note: Converted during submission from cancer to other.

NM_000038.6(APC):c.729+3619G>A

Gene: APC (APC regulator of WNT signaling pathway; plus strand). Cytogenetic location: 5q22.2.
Variant type: single nucleotide variant.
Coding change: c.729+3619G>A on transcript NM_000038.6 (MANE Select); 3619 bases into the intron after coding-DNA position 729, G replaced by A.
Molecular consequence: intron variant.
Genome position (GRCh38, 1-based): chr5:112,796,148, G>A. VCF-style: chr5-112796148-G-A. GRCh37 (hg19) VCF-style: chr5-112131845-G-A.
Other names: c.729+3619G>A (NM_001354895.2, NM_001127510.3, NM_001354896.2 and 1 more transcripts); c.759+3619G>A (NM_001354897.2, NM_001354902.2); c.676-5131G>A (NM_001127511.3); c.654+3619G>A (NM_001354898.2, NM_001354904.2); c.-307+3619G>A (NM_001354906.2); c.646-5131G>A (NM_001354899.2); c.552+3619G>A (NM_001354900.2, NM_001354901.2, NM_001354905.2).
Identifiers: ClinVar variation 82496 (VCV000082496.2), dbSNP rs79688003, ClinGen allele CA013213.
Genomic context (GRCh38, chr5:112,796,148, plus strand): 5'-AAATGAACAAAAAATAAAGATAACCTTTAACTCCATGGACAACAGGAAGTTGTAAAGGAA[G>A]GTGATTATAGTATACCATCTGCCAGCTATGATTAGAATTTCATAGTCAAAGTAATGTAAA-3'